The following is an entry in ClinVar:

ClinVar aggregate classification (germline): Likely benign (0 of 4 stars; one submission).

Conditions:
MARK3-related disorder. Also called: MARK3-related condition.

Allele frequency attached by ClinVar (database versions not stated): gnomAD exomes below 0.00001; gnomAD 0.00001; TOPMed 0.00003.
gnomAD v4.1: 4 of 1,578,548 alleles (0.00025%); highest among the groups gnomAD compares: Admixed American, 0.0034%; no homozygotes.

Submission:

PreventionGenetics, part of Exact Sciences
Classification: Likely benign for MARK3-related condition. Last evaluated: 2019-09-13. Review status: no assertion criteria provided. Collection method: clinical testing. Allele origin: germline.
Comment: This variant is classified as likely benign based on ACMG/AMP sequence variant interpretation guidelines (Richards et al. 2015 PMID: 25741868, with internal and published modifications).

NM_001128918.3(MARK3):c.1586+4G>C

Gene: MARK3 (microtubule affinity regulating kinase 3; plus strand). Cytogenetic location: 14q32.32.
Variant type: single nucleotide variant.
Coding change: c.1586+4G>C on transcript NM_001128918.3 (MANE Select); 4 bases into the intron after coding-DNA position 1586, G replaced by C.
Molecular consequence: intron variant.
Genome position (GRCh38, 1-based): chr14:103,480,494, G>C. VCF-style: chr14-103480494-G-C. GRCh37 (hg19) VCF-style: chr14-103946831-G-C.
Other names: c.1586+4G>C (NM_001128919.3, NM_002376.7); c.1538+4G>C (NM_001128920.3); c.1349+4G>C (NM_001128921.3); c.1532+4G>C (NM_001411055.1); c.1394+4G>C (NM_001411056.1).
Identifiers: ClinVar variation 3040703 (VCV003040703.2), dbSNP rs1205269209, ClinGen allele CA703321325.